The following is an entry in ClinVar:

ClinVar aggregate classification (germline): Benign/Likely benign. Review status: criteria provided, multiple submitters, no conflicts (2 of 4 stars). 5 submissions from 5 submitters: Benign (2); Likely benign (2). 1 of the submissions does not count toward it. Last evaluated 2026-03-01.

Conditions:
X-linked Alport syndrome (ATS1). Also called: COL4A5-Related Nephropathy; NEPHROPATHY AND DEAFNESS, X-LINKED. Identifiers: Orphanet 63, Orphanet 88917, MedGen C4746986, MONDO:0010520, OMIM 301050.

Allele frequency attached by ClinVar (database versions not stated): gnomAD below 0.00001 and 0.00005; TOPMed below 0.00001; gnomAD exomes 0.00009 and 0.00017; ExAC 0.00014.
gnomAD v4.1: 105 of 1,208,823 alleles (0.0087%); highest among the groups gnomAD compares: South Asian, 0.17%; no homozygotes.

Submissions (5):

CeGaT Center for Human Genetics Tuebingen
Classification: Likely benign. Last evaluated: 2026-03-01. Review status: criteria provided, single submitter. Criteria: CeGaT Center For Human Genetics Tuebingen Variant Classification Criteria Version 2. Collection method: clinical testing. Allele origin: germline. Affected: yes. Observed: 1 variant allele.
Comment: COL4A5: BP4, BS2

Labcorp Genetics (formerly Invitae), Labcorp
Classification: Benign. Last evaluated: 2026-01-19. Review status: criteria provided, single submitter. Criteria: Invitae Variant Classification Sherloc (09022015). Collection method: clinical testing. Allele origin: germline.

Blueprint Genetics
Classification: Likely benign. Last evaluated: 2024-07-02. Review status: criteria provided, single submitter. Criteria: ACMG Guidelines, 2015. Collection method: clinical testing. Allele origin: germline.

Athena Diagnostics
Classification: Benign. Last evaluated: 2019-07-26. Review status: criteria provided, single submitter. Criteria: Athena Diagnostics Criteria. Collection method: clinical testing. Allele origin: germline.

Natera, Inc.
Classification: Likely benign for X-linked Alport syndrome. Last evaluated: 2020-09-19. Review status: no assertion criteria provided. Collection method: clinical testing. Allele origin: germline. Not counted in ClinVar's aggregate classification.

NM_033380.3(COL4A5):c.4529-6T>C

Gene: COL4A5 (collagen type IV alpha 5 chain; plus strand). Cytogenetic location: Xq22.3.
Variant type: single nucleotide variant.
Coding change: c.4529-6T>C on transcript NM_033380.3 (MANE Select); 6 bases into the intron before coding-DNA position 4529, T replaced by C.
Molecular consequence: intron variant.
Genome position (GRCh38, 1-based): chrX:108,692,742, T>C. VCF-style: chrX-108692742-T-C. GRCh37 (hg19) VCF-style: chrX-107935972-T-C.
Other names: c.4511-6T>C (NM_000495.5).
Identifiers: ClinVar variation 763037 (VCV000763037.18), dbSNP rs775079914, ClinGen allele CA10489379.